The following is an entry in ClinVar:

ClinVar aggregate classification (germline): Conflicting classifications of pathogenicity. Review status: criteria provided, conflicting classifications (1 of 4 stars). 6 submissions from 6 submitters: Uncertain significance (5); Likely benign (1). Last evaluated 2026-06-11.

Conditions:
Inborn genetic diseases. Identifiers: MedGen C0950123, MeSH D030342.
Bethlem myopathy 1A. Also called: Bethlem Muscular Dystrophy; Bethlem myopathy 1; MYOPATHY, BENIGN CONGENITAL, WITH CONTRACTURES. Identifiers: Orphanet 610, MedGen CN029274, MONDO:0024530, OMIM 158810.
COL6A3-related disorder. Also called: COL6A3-related disorders; COL6A3-related condition.

Allele frequency attached by ClinVar (database versions not stated): gnomAD exomes below 0.00001; gnomAD 0.00001 and 0.00002; TOPMed 0.00009.
gnomAD v4.1: 5 of 1,613,972 alleles (0.00031%); highest among the groups gnomAD compares: Admixed American, 0.0067%; no homozygotes.

Submissions (6):

PreventionGenetics, part of Exact Sciences
Classification: Uncertain significance for COL6A3-related condition. Last evaluated: 2026-06-11. Review status: criteria provided, single submitter. Criteria: ACMG Guidelines, 2015. Collection method: clinical testing. Allele origin: germline.
Comment: The COL6A3 c.4765G>A variant is predicted to result in the amino acid substitution p.Asp1589Asn. To our knowledge, this variant has not been reported in the literature. This variant is reported in 0.0029% of alleles in individuals of Latino descent in gnomAD. At this time, the clinical significance of this variant is uncertain due to the absence of conclusive functional and genetic evidence.

Labcorp Genetics (formerly Invitae), Labcorp
Classification: Likely benign for Bethlem myopathy 1A. Last evaluated: 2026-02-01. Review status: criteria provided, single submitter. Criteria: Invitae Variant Classification Sherloc (09022015). Collection method: clinical testing. Allele origin: germline.

Ambry Genetics
Classification: Uncertain significance for Inborn genetic diseases. Last evaluated: 2024-03-15. Review status: criteria provided, single submitter. Criteria: Ambry Variant Classification Scheme 2023. Collection method: clinical testing. Allele origin: germline.

Revvity Omics, Revvity
Classification: Uncertain significance. Last evaluated: 2019-10-16. Review status: criteria provided, single submitter. Criteria: ACMG Guidelines, 2015. Collection method: clinical testing. Allele origin: germline.

GeneDx
Classification: Uncertain significance. Last evaluated: 2019-04-02. Review status: criteria provided, single submitter. Criteria: GeneDx Variant Classification Process June 2021. Collection method: clinical testing. Allele origin: germline. Affected: yes.
Comment: Not observed at a significant frequency in large population cohorts (Lek et al., 2016); In silico analysis, which includes protein predictors and evolutionary conservation, supports that this variant does not alter protein structure/function; Has not been previously published as pathogenic or benign to our knowledge

Eurofins Ntd Llc (ga)
Classification: Uncertain significance. Last evaluated: 2018-09-14. Review status: criteria provided, single submitter. Criteria: EGL ClinVar v180209 classification definitions. Collection method: clinical testing. Allele origin: germline. Observed: 1 variant allele, 1 heterozygote.

NM_004369.4(COL6A3):c.4765G>A (p.Asp1589Asn)

Gene: COL6A3 (collagen type VI alpha 3 chain; minus strand). Cytogenetic location: 2q37.3.
Variant type: single nucleotide variant.
Coding change: c.4765G>A on transcript NM_004369.4 (MANE Select); coding-DNA position 4765, G replaced by A.
Protein change: p.Asp1589Asn; replaces aspartic acid 1589 with asparagine.
Molecular consequence: missense variant.
Genome position (GRCh38, 1-based): chr2:237,368,698, C>T on the plus strand (G>A on the coding strand, the complement: COL6A3 is on the minus strand). VCF-style: chr2-237368698-C-T. GRCh37 (hg19) VCF-style: chr2-238277341-C-T.
Other names: c.2944G>A, p.Asp982Asn (NM_057166.5); c.4147G>A, p.Asp1383Asn (NM_057167.4); short protein forms D1589N, D1383N, D982N.
Identifiers: ClinVar variation 598717 (VCV000598717.19), dbSNP rs904372024, ClinGen allele CA67816216.